The following is an entry in ClinVar:

NM_001127198.5(TMC6):c.176T>C (p.Val59Ala)

Gene: TMC6 (transmembrane channel like 6; minus strand). Cytogenetic location: 17q25.3.
Variant type: single nucleotide variant.
Coding change: c.176T>C on transcript NM_001127198.5 (MANE Select); coding-DNA position 176, T replaced by C.
Protein change: p.Val59Ala; replaces valine 59 with alanine.
Molecular consequence: missense variant.
Genome position (GRCh38, 1-based): chr17:78,126,529, A>G on the plus strand (T>C on the coding strand, the complement: TMC6 is on the minus strand). VCF-style: chr17-78126529-A-G. GRCh37 (hg19) VCF-style: chr17-76122610-A-G.
Other names: c.176T>C, p.Val59Ala (NM_001321185.1, NM_001374593.1, NM_001374594.1 and 4 more transcripts); short protein forms V59A.
Identifiers: ClinVar variation 953479 (VCV000953479.8), dbSNP rs2074726912, ClinGen allele CA401236299.

ClinVar aggregate classification (germline): Uncertain significance (1 of 4 stars; one submission).

Conditions:
Epidermodysplasia verruciformis. Identifiers: Orphanet 302, MedGen C0014522, MONDO:0009176.

Allele frequency attached by ClinVar (database versions not stated): gnomAD exomes below 0.00001.
gnomAD v4.1: 1 of 1,612,590 alleles (0.000062%); highest among the groups gnomAD compares: Non-Finnish European, 0.000085%; no homozygotes.

Submission:

Labcorp Genetics (formerly Invitae), Labcorp
Classification: Uncertain significance for Epidermodysplasia verruciformis. Last evaluated: 2023-07-17. Review status: criteria provided, single submitter. Criteria: Invitae Variant Classification Sherloc (09022015). Collection method: clinical testing. Allele origin: germline.
Comment: This variant is not present in population databases (gnomAD no frequency). In summary, the available evidence is currently insufficient to determine the role of this variant in disease. Therefore, it has been classified as a Variant of Uncertain Significance. Algorithms developed to predict the effect of missense changes on protein structure and function output the following: SIFT: "Not Available"; PolyPhen-2: "Benign"; Align-GVGD: "Not Available". The alanine amino acid residue is found in multiple mammalian species, which suggests that this missense change does not adversely affect protein function. ClinVar contains an entry for this variant (Variation ID: 953479). This variant has not been reported in the literature in individuals affected with TMC6-related conditions. This sequence change replaces valine, which is neutral and non-polar, with alanine, which is neutral and non-polar, at codon 59 of the TMC6 protein (p.Val59Ala).